The following is an entry in ClinVar:

NM_153676.4(USH1C):c.91C>T (p.Arg31Ter)

Gene: USH1C (USH1 protein network component harmonin; minus strand). Cytogenetic location: 11p15.1.
Variant type: single nucleotide variant.
Coding change: c.91C>T on transcript NM_153676.4 (MANE Select); coding-DNA position 91, C replaced by T.
Protein change: p.Arg31Ter; replaces arginine 31 with a stop codon.
Molecular consequence: nonsense. On other transcripts: non-coding transcript variant (1).
Genome position (GRCh38, 1-based): chr11:17,533,268, G>A on the plus strand (C>T on the coding strand, the complement: USH1C is on the minus strand). VCF-style: chr11-17533268-G-A. GRCh37 (hg19) VCF-style: chr11-17554815-G-A.
Other names: c.91C>T, p.Arg31Ter (NM_001297764.2, NM_005709.4); short protein forms R31*.
Identifiers: ClinVar variation 5146 (VCV000005146.20), dbSNP rs121908370, ClinGen allele CA253419.
Genomic context (GRCh38, chr11:17,533,268, plus strand): 5'-ACAAAGGAACCCAAGTGGCCCACAAGAGCTGGACCCAGCACACTTACTGGTGGTACATTC[G>A]CAGCACATCATAGAGATAGTCCTTCTCTGCATCATTTTCAATCAGAAAATCCACCTGGAA-3'

ClinVar aggregate classification (germline): Pathogenic. Review status: criteria provided, multiple submitters, no conflicts (2 of 4 stars). 7 submissions from 7 submitters: Pathogenic (5). 2 of the submissions do not count toward it. Last evaluated 2025-12-31.

Conditions:
Autosomal recessive nonsyndromic hearing loss 18A. Also called: DEAFNESS, AUTOSOMAL RECESSIVE 18; Deafness, autosomal recessive 18A. Identifiers: Orphanet 90636, MedGen C1865870, MONDO:0011192, OMIM 602092.
Usher syndrome type 1C. Also called: USHER SYNDROME, TYPE I, ACADIAN VARIETY. Identifiers: Orphanet 231169, Orphanet 886, MedGen C1848604, MONDO:0010171, OMIM 276904.
Usher syndrome type 1 (USH1). Also called: RETINITIS PIGMENTOSA AND CONGENITAL DEAFNESS. Identifiers: Orphanet 231169, Orphanet 886, MedGen C1568247, MONDO:0010168, OMIM 276900.

Allele frequency attached by ClinVar (database versions not stated): gnomAD 0.00001; TOPMed 0.00002.
gnomAD v4.1: 13 of 1,613,572 alleles (0.00081%); highest among the groups gnomAD compares: African/African-American, 0.004%; no homozygotes.

Submissions (7):

Natera, Inc.
Classification: Pathogenic for Usher syndrome type 1C. Last evaluated: 2025-12-31. Review status: criteria provided, single submitter. Criteria: Natera Variant Classification Schema (03/2026). Collection method: clinical testing. Allele origin: germline.
Comment: The c.91C>T variant in USH1C is a nonsense variant predicted to introduce a stop codon at amino acid 31. This variant is expected to result in nonsense mediated decay, truncation, or a dysfunctional protein product. This variant is rare in the general population with a frequency below the threshold expected for the associated phenotype(s). This variant has been observed in one or more individuals affected with the associated recessive disease, as either homozygous or compound heterozygous with a second variant (PMID: 27957503). Given the available evidence, this variant is classified as Pathogenic.

Labcorp Genetics (formerly Invitae), Labcorp
Classification: Pathogenic. Last evaluated: 2023-12-29. Review status: criteria provided, single submitter. Criteria: Invitae Variant Classification Sherloc (09022015). Collection method: clinical testing. Allele origin: germline.
Comment: This sequence change creates a premature translational stop signal (p.Arg31*) in the USH1C gene. It is expected to result in an absent or disrupted protein product. Loss-of-function variants in USH1C are known to be pathogenic (PMID: 10973247, 17407589, 20301442, 21203349). This variant is present in population databases (rs121908370, gnomAD 0.01%). This premature translational stop signal has been observed in individual(s) with Usher syndrome (PMID: 11139240, 27440999, 27957503). ClinVar contains an entry for this variant (Variation ID: 5146). For these reasons, this variant has been classified as Pathogenic.

Baylor Genetics
Classification: Pathogenic for Autosomal recessive nonsyndromic hearing loss 18A. Last evaluated: 2023-09-07. Review status: criteria provided, single submitter. Criteria: ACMG Guidelines, 2015. Collection method: clinical testing. Allele origin: unknown.

Fulgent Genetics
Classification: Pathogenic for Usher syndrome type 1; Usher syndrome type 1C; Autosomal recessive nonsyndromic hearing loss 18A. Last evaluated: 2018-10-31. Review status: criteria provided, single submitter. Criteria: ACMG Guidelines, 2015. Collection method: clinical testing. Allele origin: unknown.

Eurofins Ntd Llc (ga)
Classification: Pathogenic. Last evaluated: 2016-10-18. Review status: criteria provided, single submitter. Criteria: EGL Classification Definitions 2015. Collection method: clinical testing. Allele origin: germline. Observed: 1 variant allele, 1 heterozygote.

Counsyl
Classification: Pathogenic for Autosomal recessive nonsyndromic hearing loss 18A. Last evaluated: 2018-01-23. Review status: no assertion criteria provided. Collection method: clinical testing. Allele origin: unknown. Not counted in ClinVar's aggregate classification.

OMIM
Classification: Pathogenic for USHER SYNDROME, TYPE IC. Last evaluated: 2001-01-01. Review status: no assertion criteria provided. Collection method: literature only. Allele origin: germline. Not counted in ClinVar's aggregate classification.

Literature cited by the submitters: PubMed 27957503 (cited by Natera, Inc. and Labcorp Genetics (formerly Invitae), Labcorp); PubMed 10973247 (cited by Labcorp Genetics (formerly Invitae), Labcorp); PubMed 17407589 (cited by Labcorp Genetics (formerly Invitae), Labcorp); PubMed 20301442 (cited by Labcorp Genetics (formerly Invitae), Labcorp); PubMed 21203349 (cited by Labcorp Genetics (formerly Invitae), Labcorp); PubMed 11139240 (cited by 3 submitters); PubMed 27440999 (cited by Labcorp Genetics (formerly Invitae), Labcorp); PubMed 25560255 (cited by Counsyl); PubMed 20671281 (cited by Counsyl).